The following is an entry in ClinVar:

ClinVar aggregate classification (germline): Uncertain significance (1 of 4 stars; one submission).

Conditions:
Hereditary cancer-predisposing syndrome. Also called: Hereditary neoplastic syndrome; Hereditary Cancer Syndrome; Neoplastic Syndromes, Hereditary; Tumor predisposition. Identifiers: Orphanet 140162, MedGen C0027672, MeSH D009386, MONDO:0015356.

gnomAD v4.1: 1 of 1,614,040 alleles (0.000062%); highest among the groups gnomAD compares: Middle Eastern, 0.017%; no homozygotes.

Submission:

Ambry Genetics
Classification: Uncertain significance for Hereditary cancer-predisposing syndrome. Last evaluated: 2015-01-02. Review status: criteria provided, single submitter. Criteria: Ambry Variant Classification Scheme 2023. Collection method: clinical testing. Allele origin: germline.
Comment: The p.M584I variant (also known as c.1752G>A), located in coding exon 8 of the BARD1 gene, results from a G to A substitution at nucleotide position 1752. The methionine at codon 584 is replaced by isoleucine, an amino acid with highly similar properties. This variant was not reported in population based cohorts in the following databases: Database of Single Nucleotide Polymorphisms (dbSNP), NHLBI Exome Sequencing Project (ESP), and 1000 Genomes Project. In the ESP, this variant was not observed in 6503 samples (13006 alleles) with coverage at this position. To date, this alteration has been detected with an allele frequency of approximately 0.003% (greater than 40000 alleles tested) in our clinical cohort. This amino acid position is not well conserved in available vertebrate species. In addition, this alteration is predicted to be tolerated by in silico analysis. Since supporting evidence is limited at this time, the clinical significance of p.M584I remains unclear.

NM_000465.4(BARD1):c.1752G>A (p.Met584Ile)

Gene: BARD1 (BRCA1 associated RING domain 1; minus strand). Cytogenetic location: 2q35.
Variant type: single nucleotide variant.
Coding change: c.1752G>A on transcript NM_000465.4 (MANE Select); coding-DNA position 1752, G replaced by A.
Protein change: p.Met584Ile; replaces methionine 584 with isoleucine.
Molecular consequence: missense variant. On other transcripts: non-coding transcript variant (3), intron variant (1).
Genome position (GRCh38, 1-based): chr2:214,745,780, C>T on the plus strand (G>A on the coding strand, the complement: BARD1 is on the minus strand). VCF-style: chr2-214745780-C-T. GRCh37 (hg19) VCF-style: chr2-215610504-C-T.
Other names: c.1695G>A, p.Met565Ile (NM_001282543.2); c.399G>A, p.Met133Ile (NM_001282545.2); c.342G>A, p.Met114Ile (NM_001282548.2); c.365-15272G>A (NM_001282549.2); short protein forms M584I, M133I, M565I, M114I.
Identifiers: ClinVar variation 229839 (VCV000229839.5), dbSNP rs876658230, ClinGen allele CA10577786.